The following is an entry in ClinVar:

NM_152564.5(VPS13B):c.11206A>T (p.Ser3736Cys)

Gene: VPS13B (vacuolar protein sorting 13 homolog B; plus strand). Cytogenetic location: 8q22.2.
Variant type: single nucleotide variant.
Coding change: c.11206A>T on transcript NM_152564.5 (MANE Select); coding-DNA position 11206, A replaced by T.
Protein change: p.Ser3736Cys; replaces serine 3736 with cysteine.
Molecular consequence: missense variant.
Genome position (GRCh38, 1-based): chr8:99,861,937, A>T. VCF-style: chr8-99861937-A-T. GRCh37 (hg19) VCF-style: chr8-100874165-A-T.
Other names: c.11281A>T, p.Ser3761Cys (NM_017890.5); short protein forms S3736C, S3761C.
Identifiers: ClinVar variation 1486540 (VCV001486540.5), dbSNP rs2130942219, ClinGen allele CA371790747.

ClinVar aggregate classification (germline): Uncertain significance (1 of 4 stars; one submission).

Conditions:
Cohen syndrome (COH1). Also called: PEPPER SYNDROME; Cutis verticis gyrata, retinitis pigmentosa, and sensorineural deafness. Identifiers: Orphanet 193, MedGen C0265223, MONDO:0008999, OMIM 216550.

Allele frequency attached by ClinVar (database versions not stated): gnomAD exomes below 0.00001.
gnomAD v4.1: 2 of 1,592,678 alleles (0.00013%); highest among the groups gnomAD compares: South Asian, 0.0011%; no homozygotes.

Submission:

Labcorp Genetics (formerly Invitae), Labcorp
Classification: Uncertain significance for Cohen syndrome. Last evaluated: 2022-02-23. Review status: criteria provided, single submitter. Criteria: Invitae Variant Classification Sherloc (09022015). Collection method: clinical testing. Allele origin: germline.
Comment: This sequence change replaces serine, which is neutral and polar, with cysteine, which is neutral and slightly polar, at codon 3761 of the VPS13B protein (p.Ser3761Cys). This variant is not present in population databases (gnomAD no frequency). This variant has not been reported in the literature in individuals affected with VPS13B-related conditions. Algorithms developed to predict the effect of missense changes on protein structure and function are either unavailable or do not agree on the potential impact of this missense change (SIFT: "Not Available"; PolyPhen-2: "Possibly Damaging"; Align-GVGD: "Not Available"). In summary, the available evidence is currently insufficient to determine the role of this variant in disease. Therefore, it has been classified as a Variant of Uncertain Significance.